The following is an entry in ClinVar:

ClinVar aggregate classification (germline): Uncertain significance. Review status: criteria provided, multiple submitters, no conflicts (2 of 4 stars). 2 submissions from 2 submitters: Uncertain significance (2). Last evaluated 2024-09-23.

Conditions:
Tuberous sclerosis syndrome (TSC). Also called: Tuberous Sclerosis Complex; Tuberous sclerosis. Identifiers: Orphanet 805, MedGen C0041341, MONDO:0001734.
Tuberous sclerosis 1 (TSC1). Identifiers: Orphanet 805, MedGen C1854465, MONDO:0008612, OMIM 191100.

Submissions (2):

All of Us Research Program, National Institutes of Health
Classification: Uncertain significance for Tuberous sclerosis syndrome. Last evaluated: 2024-09-23. Review status: criteria provided, single submitter. Criteria: ACMG Guidelines, 2015. Collection method: clinical testing. Allele origin: germline. Inheritance: Autosomal dominant inheritance. Observed: 1 variant allele, 1 heterozygote.
Comment: This study involves interpretation of variants in research participants for the purpose of population health screening. Participant phenotype was not available at the time of variant classification. Additional details can be found in publication PMID: 35346344, PMCID: PMC8962531

Labcorp Genetics (formerly Invitae), Labcorp
Classification: Uncertain significance for Tuberous sclerosis 1. Last evaluated: 2020-07-29. Review status: criteria provided, single submitter. Criteria: Invitae Variant Classification Sherloc (09022015). Collection method: clinical testing. Allele origin: germline.
Comment: In summary, the available evidence is currently insufficient to determine the role of this variant in disease. Therefore, it has been classified as a Variant of Uncertain Significance. Algorithms developed to predict the effect of missense changes on protein structure and function (SIFT, PolyPhen-2, Align-GVGD) all suggest that this variant is likely to be tolerated, but these predictions have not been confirmed by published functional studies and their clinical significance is uncertain. This variant has not been reported in the literature in individuals with TSC1-related conditions. This variant is not present in population databases (ExAC no frequency). This sequence change replaces lysine with glutamic acid at codon 630 of the TSC1 protein (p.Lys630Glu). The lysine residue is moderately conserved and there is a small physicochemical difference between lysine and glutamic acid.

NM_000368.5(TSC1):c.1888A>G (p.Lys630Glu)

Gene: TSC1 (TSC complex subunit 1; minus strand). Cytogenetic location: 9q34.13.
Variant type: single nucleotide variant.
Coding change: c.1888A>G on transcript NM_000368.5 (MANE Select); coding-DNA position 1888, A replaced by G.
Protein change: p.Lys630Glu; replaces lysine 630 with glutamic acid.
Molecular consequence: missense variant.
Genome position (GRCh38, 1-based): chr9:132,905,690, T>C on the plus strand (A>G on the coding strand, the complement: TSC1 is on the minus strand). VCF-style: chr9-132905690-T-C. GRCh37 (hg19) VCF-style: chr9-135781077-T-C.
Other names: c.1885A>G, p.Lys629Glu (NM_001162426.2); c.1735A>G, p.Lys579Glu (NM_001162427.2); c.1525A>G, p.Lys509Glu (NM_001362177.2); short protein forms K509E, K579E, K629E, K630E.
Identifiers: ClinVar variation 1010381 (VCV001010381.10), dbSNP rs1158059433, ClinGen allele CA375362905.